The following is an entry in ClinVar:

NM_002392.6(MDM2):c.865G>A (p.Ala289Thr)

Gene: MDM2 (MDM2 proto-oncogene; plus strand). Cytogenetic location: 12q15.
Variant type: single nucleotide variant.
Coding change: c.865G>A on transcript NM_002392.6 (MANE Select); coding-DNA position 865, G replaced by A.
Protein change: p.Ala289Thr; replaces alanine 289 with threonine.
Molecular consequence: missense variant. On other transcripts: intron variant (1).
Genome position (GRCh38, 1-based): chr12:68,836,696, G>A. VCF-style: chr12-68836696-G-A. GRCh37 (hg19) VCF-style: chr12-69230476-G-A.
Other names: c.706G>A, p.Ala236Thr (NM_001145337.3); c.700G>A, p.Ala234Thr (NM_001145339.2); c.337G>A, p.Ala113Thr (NM_001278462.2); c.847G>A, p.Ala283Thr (NM_001367990.1); c.312+712G>A (NM_001145340.3); c.865G>A (NM_002392.5); short protein forms A234T, A283T, A236T, A289T, A113T.
Identifiers: ClinVar variation 3124615 (VCV003124615.4), dbSNP rs758860429, ClinGen allele CA6678812.

ClinVar aggregate classification (germline): Uncertain significance. Review status: criteria provided, multiple submitters, no conflicts (2 of 4 stars). 3 submissions from 3 submitters: Uncertain significance (3). Last evaluated 2024-11-20.

Conditions:
Lessel-kubisch syndrome. Identifiers: MedGen C5231460, MONDO:0032868, OMIM 618681.
Accelerated tumor formation, susceptibility to (ACTFS). Identifiers: MedGen C3280690, OMIM 614401, MONDO:0013733.

Allele frequency attached by ClinVar (database versions not stated): gnomAD 0.00001; gnomAD exomes 0.00001; TOPMed 0.00001; ExAC 0.00002.
gnomAD v4.1: 20 of 1,611,538 alleles (0.0012%); highest among the groups gnomAD compares: Middle Eastern, 0.017%; no homozygotes.

Submissions (3):

Labcorp Genetics (formerly Invitae), Labcorp
Classification: Uncertain significance for Accelerated tumor formation, susceptibility to. Last evaluated: 2024-11-20. Review status: criteria provided, single submitter. Criteria: Invitae Variant Classification Sherloc (09022015). Collection method: clinical testing. Allele origin: germline.
Comment: This sequence change replaces alanine, which is neutral and non-polar, with threonine, which is neutral and polar, at codon 289 of the MDM2 protein (p.Ala289Thr). This variant is present in population databases (rs758860429, gnomAD 0.005%). This variant has not been reported in the literature in individuals affected with MDM2-related conditions. ClinVar contains an entry for this variant (Variation ID: 3124615). An algorithm developed to predict the effect of missense changes on protein structure and function outputs the following: PolyPhen-2: "Benign". The threonine amino acid residue is found in multiple mammalian species, which suggests that this missense change does not adversely affect protein function. In summary, the available evidence is currently insufficient to determine the role of this variant in disease. Therefore, it has been classified as a Variant of Uncertain Significance.

Fulgent Genetics
Classification: Uncertain significance for Accelerated tumor formation, susceptibility to; Lessel-kubisch syndrome. Last evaluated: 2024-03-17. Review status: criteria provided, single submitter. Criteria: ACMG Guidelines, 2015. Collection method: clinical testing. Allele origin: germline.

Ambry Genetics
Classification: Uncertain significance. Last evaluated: 2024-01-08. Review status: criteria provided, single submitter. Criteria: Ambry Variant Classification Scheme 2023. Collection method: clinical testing. Allele origin: germline.